The following is an entry in ClinVar:

NM_001267550.2(TTN):c.9257T>A (p.Ile3086Asn)

Gene: TTN (titin; minus strand). Cytogenetic location: 2q31.2.
Variant type: single nucleotide variant.
Coding change: c.9257T>A on transcript NM_001267550.2 (MANE Select); coding-DNA position 9257, T replaced by A.
Protein change: p.Ile3086Asn; replaces isoleucine 3086 with asparagine.
Molecular consequence: missense variant.
Genome position (GRCh38, 1-based): chr2:178,768,062, A>T on the plus strand (T>A on the coding strand, the complement: TTN is on the minus strand). VCF-style: chr2-178768062-A-T. GRCh37 (hg19) VCF-style: chr2-179632789-A-T.
Other names: c.9257T>A, p.Ile3086Asn (NM_001256850.1, NM_133378.4, NM_133379.5); c.9119T>A, p.Ile3040Asn (NM_003319.4, NM_133432.3, NM_133437.4); short protein forms I3040N, I3086N.
Identifiers: ClinVar variation 2578891 (VCV002578891.25), dbSNP rs1574529450, ClinGen allele CA349675567.

ClinVar aggregate classification (germline): Uncertain significance (1 of 4 stars; one submission).

Submission:

CeGaT Center for Human Genetics Tuebingen
Classification: Uncertain significance. Last evaluated: 2023-08-01. Review status: criteria provided, single submitter. Criteria: CeGaT Center For Human Genetics Tuebingen Variant Classification Criteria Version 2. Collection method: clinical testing. Allele origin: germline. Affected: yes. Observed: 1 variant allele.
Comment: TTN: PM2